The following is an entry in ClinVar:

ClinVar aggregate classification (germline): Uncertain significance (1 of 4 stars; one submission).

gnomAD v4.1: 16 of 1,611,992 alleles (0.00099%); highest among the groups gnomAD compares: African/African-American, 0.02%; no homozygotes.

Submission:

Labcorp Genetics (formerly Invitae), Labcorp
Classification: Uncertain significance. Last evaluated: 2024-03-25. Review status: criteria provided, single submitter. Criteria: Invitae Variant Classification Sherloc (09022015). Collection method: clinical testing. Allele origin: germline.
Comment: This sequence change replaces isoleucine, which is neutral and non-polar, with methionine, which is neutral and non-polar, at codon 278 of the ERBIN protein (p.Ile278Met). This variant is present in population databases (rs543169821, gnomAD 0.03%). This variant has not been reported in the literature in individuals affected with ERBIN-related conditions. An algorithm developed to predict the effect of missense changes on protein structure and function (PolyPhen-2) suggests that this variant is likely to be tolerated. In summary, the available evidence is currently insufficient to determine the role of this variant in disease. Therefore, it has been classified as a Variant of Uncertain Significance.

NM_001253697.2(ERBIN):c.834A>G (p.Ile278Met)

Gene: ERBIN (erbb2 interacting protein; plus strand). Cytogenetic location: 5q12.3.
Variant type: single nucleotide variant.
Coding change: c.834A>G on transcript NM_001253697.2 (MANE Select); coding-DNA position 834, A replaced by G.
Protein change: p.Ile278Met; replaces isoleucine 278 with methionine.
Molecular consequence: missense variant.
Genome position (GRCh38, 1-based): chr5:66,025,496, A>G. VCF-style: chr5-66025496-A-G. GRCh37 (hg19) VCF-style: chr5-65321324-A-G.
Other names: c.834A>G, p.Ile278Met (NM_001006600.3, NM_001253698.2, NM_001253699.2 and 2 more transcripts); short protein forms I278M.
Identifiers: ClinVar variation 3623930 (VCV003623930.2).